The following is an entry in ClinVar:

ClinVar aggregate classification (germline): Uncertain significance (1 of 4 stars; one submission).

Conditions:
Senior-Loken syndrome 7 (SLSN7). Identifiers: Orphanet 3156, MedGen C3150877, MONDO:0013326, OMIM 613615.
Bardet-Biedl syndrome 16 (BBS16). Identifiers: Orphanet 110, MedGen C3889474, MONDO:0014444, OMIM 615993.

Allele frequency attached by ClinVar (database versions not stated): gnomAD exomes below 0.00001; ExAC 0.00001.
gnomAD v4.1: 1 of 1,611,490 alleles (0.000062%); highest among the groups gnomAD compares: Admixed American, 0.0017%; no homozygotes.

Submission:

Labcorp Genetics (formerly Invitae), Labcorp
Classification: Uncertain significance for Bardet-Biedl syndrome 16; Senior-Loken syndrome 7. Last evaluated: 2022-08-06. Review status: criteria provided, single submitter. Criteria: Invitae Variant Classification Sherloc (09022015). Collection method: clinical testing. Allele origin: germline.
Comment: In summary, the available evidence is currently insufficient to determine the role of this variant in disease. Therefore, it has been classified as a Variant of Uncertain Significance. Algorithms developed to predict the effect of sequence changes on RNA splicing suggest that this variant may disrupt the consensus splice site. This variant has not been reported in the literature in individuals affected with SDCCAG8-related conditions. This variant is present in population databases (rs758498800, gnomAD 0.003%). This sequence change affects codon 588 of the SDCCAG8 mRNA. It is a 'silent' change, meaning that it does not change the encoded amino acid sequence of the SDCCAG8 protein.

NM_006642.5(SDCCAG8):c.1764G>A (p.Leu588=)

Gene: SDCCAG8 (SHH signaling and ciliogenesis regulator SDCCAG8; plus strand). Cytogenetic location: 1q43.
Variant type: single nucleotide variant.
Coding change: c.1764G>A on transcript NM_006642.5 (MANE Select); coding-DNA position 1764, G replaced by A.
Protein change: p.Leu588=; no amino-acid change (leucine 588 retained).
Molecular consequence: synonymous variant.
Genome position (GRCh38, 1-based): chr1:243,417,987, G>A. VCF-style: chr1-243417987-G-A. GRCh37 (hg19) VCF-style: chr1-243581289-G-A.
Other names: c.861G>A, p.Leu287= (NM_001350246.2, NM_001350247.2, NM_001350251.2); c.1860G>A, p.Leu620= (NM_001350248.2); c.1470G>A, p.Leu490= (NM_001350249.2).
Identifiers: ClinVar variation 2135420 (VCV002135420.4), dbSNP rs758498800, ClinGen allele CA1483735.